The following is an entry in ClinVar:

NM_001854.4(COL11A1):c.897+247T>G

Gene: COL11A1 (collagen type XI alpha 1 chain; minus strand). Cytogenetic location: 1p21.1.
Variant type: single nucleotide variant.
Coding change: c.897+247T>G on transcript NM_001854.4 (MANE Select); 247 bases into the intron after coding-DNA position 897, T replaced by G.
Molecular consequence: intron variant.
Genome position (GRCh38, 1-based): chr1:103,025,969, A>C on the plus strand (T>G on the coding strand, the complement: COL11A1 is on the minus strand). VCF-style: chr1-103025969-A-C. GRCh37 (hg19) VCF-style: chr1-103491525-A-C.
Other names: c.781-356T>G (NM_001190709.2); c.781-17T>G (NM_080629.3); c.897+247T>G (NM_080630.4).
Identifiers: ClinVar variation 3068976 (VCV003068976.3), dbSNP rs201967902, ClinGen allele CA975263.

ClinVar aggregate classification (germline): Likely benign. Review status: criteria provided, multiple submitters, no conflicts (2 of 4 stars). 2 submissions from 2 submitters: Likely benign (2). Last evaluated 2024-07-23.

Allele frequency attached by ClinVar (database versions not stated): ESP Exome Variant Server 0.00008; gnomAD exomes 0.00010; gnomAD 0.00011; TOPMed 0.00013; ExAC 0.00021.
gnomAD v4.1: 169 of 1,607,156 alleles (0.011%); highest among the groups gnomAD compares: Middle Eastern, 0.27%; 1 homozygote.

Submissions (2):

Blueprint Genetics
Classification: Likely benign. Last evaluated: 2024-07-23. Review status: criteria provided, single submitter. Criteria: ACMG Guidelines, 2015. Collection method: clinical testing. Allele origin: germline.

Women's Health and Genetics/Laboratory Corporation of America, LabCorp
Classification: Likely benign. Last evaluated: 2024-02-14. Review status: criteria provided, single submitter. Criteria: LabCorp Variant Classification Summary - May 2015. Collection method: clinical testing. Allele origin: germline.
Comment: Variant summary: COL11A1 c.897+247T>G is located at a position not widely known to affect splicing. Consensus agreement among computation tools predict no significant impact on normal splicing. However, these predictions have yet to be confirmed by functional studies. The variant allele was found at a frequency of 0.00011 in 1607156 control chromosomes in the gnomAD database, including 1 homozygote. To our knowledge, no occurrence of c.897+247T>G in individuals affected with Stickler Syndrome and no experimental evidence demonstrating its impact on protein function have been reported. No submitters have cited clinical-significance assessments for this variant to ClinVar. Based on the evidence outlined above, the variant was classified as likely benign.